The following is an entry in ClinVar:

ClinVar aggregate classification (germline): Likely benign. Review status: criteria provided, multiple submitters, no conflicts (2 of 4 stars). 2 submissions from 2 submitters: Likely benign (2). Last evaluated 2025-10-01.

Submissions (2):

CeGaT Center for Human Genetics Tuebingen
Classification: Likely benign. Last evaluated: 2025-10-01. Review status: criteria provided, single submitter. Criteria: CeGaT Center For Human Genetics Tuebingen Variant Classification Criteria Version 2. Collection method: clinical testing. Allele origin: germline. Affected: yes. Observed: 2 variant alleles.
Comment: NEUROG1: BP4, BP7

Laboratory of Genetics, Children's Clinical University Hospital Latvia
Classification: Likely benign. Last evaluated: 2025-02-16. Review status: criteria provided, single submitter. Criteria: ACMG Guidelines, 2015. Collection method: clinical testing. Allele origin: germline. Affected: yes.

NM_006161.3(NEUROG1):c.261C>T (p.His87=)

Gene: NEUROG1 (neurogenin 1; minus strand). Cytogenetic location: 5q31.1.
Variant type: single nucleotide variant.
Coding change: c.261C>T on transcript NM_006161.3 (MANE Select); coding-DNA position 261, C replaced by T.
Protein change: p.His87=; no amino-acid change (histidine 87 retained).
Molecular consequence: synonymous variant.
Genome position (GRCh38, 1-based): chr5:135,535,430, G>A on the plus strand (C>T on the coding strand, the complement: NEUROG1 is on the minus strand). VCF-style: chr5-135535430-G-A. GRCh37 (hg19) VCF-style: chr5-134871120-G-A.
Identifiers: ClinVar variation 3910482 (VCV003910482.7).
Genomic context (GRCh38, chr5:135,535,430, plus strand): 5'-GTTGTGCATGCGGTTGCGCTCGCGATCGTTGGCCTTGACGCGCCGGCTCCTGCGCAGCGA[G>A]TGCAGCAGCGCCTCGGAGCGGACCCGCGTCCGGCCGCGGCGCCGCCGCCTCTCCTGCTCG-3'
Protein context (NP_006152.2, residues 77-97): RTRVRSEALL[His87=]SLRRSRRVKA